The following is an entry in ClinVar:

ClinVar aggregate classification (germline): Uncertain significance. Review status: criteria provided, multiple submitters, no conflicts (2 of 4 stars). 4 submissions from 4 submitters: Uncertain significance (2). 2 of the submissions do not count toward it. Last evaluated 2025-04-30.

Conditions:
VPS13B-related disorder. Also called: VPS13B-related condition.
Cohen syndrome (COH1). Also called: Cutis verticis gyrata, retinitis pigmentosa, and sensorineural deafness; PEPPER SYNDROME. Identifiers: Orphanet 193, MedGen C0265223, MONDO:0008999, OMIM 216550.
Inborn genetic diseases. Identifiers: MedGen C0950123, MeSH D030342.

Allele frequency attached by ClinVar (database versions not stated): gnomAD 0.00001; gnomAD exomes 0.00001 and 0.00002; ExAC 0.00002; TOPMed 0.00002.
gnomAD v4.1: 29 of 1,613,886 alleles (0.0018%); highest among the groups gnomAD compares: Middle Eastern, 0.099%; no homozygotes.

Submissions (4):

Ambry Genetics
Classification: Uncertain significance for Inborn genetic diseases. Last evaluated: 2025-04-30. Review status: criteria provided, single submitter. Criteria: Ambry Variant Classification Scheme 2023. Collection method: clinical testing. Allele origin: germline.

Labcorp Genetics (formerly Invitae), Labcorp
Classification: Uncertain significance for Cohen syndrome. Last evaluated: 2022-08-11. Review status: criteria provided, single submitter. Criteria: Invitae Variant Classification Sherloc (09022015). Collection method: clinical testing. Allele origin: germline.
Comment: This sequence change replaces serine, which is neutral and polar, with threonine, which is neutral and polar, at codon 2518 of the VPS13B protein (p.Ser2518Thr). This variant is present in population databases (rs779401089, gnomAD 0.004%). This variant has not been reported in the literature in individuals affected with VPS13B-related conditions. ClinVar contains an entry for this variant (Variation ID: 970083). Algorithms developed to predict the effect of missense changes on protein structure and function output the following: SIFT: "Not Available"; PolyPhen-2: "Benign"; Align-GVGD: "Not Available". The threonine amino acid residue is found in multiple mammalian species, which suggests that this missense change does not adversely affect protein function. In summary, the available evidence is currently insufficient to determine the role of this variant in disease. Therefore, it has been classified as a Variant of Uncertain Significance.

PreventionGenetics, part of Exact Sciences
Classification: Uncertain significance for VPS13B-related condition. Last evaluated: 2024-08-14. Review status: no assertion criteria provided. Collection method: clinical testing. Allele origin: germline. Not counted in ClinVar's aggregate classification.
Comment: The VPS13B c.7477T>A variant is predicted to result in the amino acid substitution p.Ser2493Thr. To our knowledge, this variant has not been reported in the literature. This variant is reported in 0.0046% of alleles in individuals of European (Finnish) descent in gnomAD. At this time, the clinical significance of this variant is uncertain due to the absence of conclusive functional and genetic evidence.

Natera, Inc.
Classification: Uncertain significance for Cohen syndrome. Last evaluated: 2020-01-24. Review status: no assertion criteria provided. Collection method: clinical testing. Allele origin: germline. Not counted in ClinVar's aggregate classification.

NM_152564.5(VPS13B):c.7477T>A (p.Ser2493Thr)

Gene: VPS13B (vacuolar protein sorting 13 homolog B; plus strand). Cytogenetic location: 8q22.2.
Variant type: single nucleotide variant.
Coding change: c.7477T>A on transcript NM_152564.5 (MANE Select); coding-DNA position 7477, T replaced by A.
Protein change: p.Ser2493Thr; replaces serine 2493 with threonine.
Molecular consequence: missense variant.
Genome position (GRCh38, 1-based): chr8:99,778,729, T>A. VCF-style: chr8-99778729-T-A. GRCh37 (hg19) VCF-style: chr8-100790957-T-A.
Other names: c.7552T>A (NM_017890.3); c.7552T>A, p.Ser2518Thr (NM_017890.5); c.7477T>A (NM_152564.4); short protein forms S2493T, S2518T.
Identifiers: ClinVar variation 970083 (VCV000970083.8), dbSNP rs779401089, ClinGen allele CA4824239.